The following is an entry in ClinVar:

NM_020706.2(SCAF4):c.374_375dup (p.Glu126fs)

Gene: SCAF4 (SR-related CTD associated factor 4; minus strand). Cytogenetic location: 21q22.11.
Variant type: Duplication.
Coding change: c.374_375dup on transcript NM_020706.2 (MANE Select); coding-DNA positions 374 to 375, 2 bases duplicated (TT; older notation c.374_375dupTT).
Protein change: p.Glu126fs; shifts the reading frame from glutamic acid 126.
Molecular consequence: frameshift variant.
Genome position (GRCh38, 1-based): chr21:31,702,326-31,702,327, AA duplicated on the plus strand (TT on the coding strand, the reverse complement: SCAF4 is on the minus strand). VCF-style (leftmost placement, unchanged base first): chr21-31702325-C-CAA. GRCh37 (hg19) VCF-style: chr21-33074638-C-CAA.
Other names: p.Glu126LeufsTer20; c.329_330dup, p.Glu111fs (NM_001145444.1); c.374_375dup, p.Glu126fs (NM_001145445.1); short protein forms E111fs, E126fs.
Identifiers: ClinVar variation 1334441 (VCV001334441.4), dbSNP rs2123586296, ClinGen allele CA2573054917.
Genomic context (GRCh38, chr21:31,702,325, plus strand): 5'-CTGCTACTGGGGCTGCATTACTGGTTCCCGCTGCCATGTCCAAAAGAGGTTGAATAATTT[C>CAA]AATTTTGAACACTCCATTTTTTTGCCAAAGGTTCAGCACACGAACTATTTTACTCTGTTA-3'

ClinVar aggregate classification (germline): Pathogenic. Review status: criteria provided, single submitter (1 of 4 stars). 2 submissions from 2 submitters: Pathogenic (1). 1 of the submissions does not count toward it. Last evaluated 2022-01-11.

Conditions:
Fliedner-Zweier syndrome (FZS). Identifiers: MedGen C5882693, MONDO:0957787, OMIM 620511.
Rare syndromic intellectual disability. Identifiers: Orphanet 102369, MedGen C5681780.

Submissions (2):

Laboratory of Human Genetics, Universidade de São Paulo
Classification: Pathogenic for Rare syndromic intellectual disability. Last evaluated: 2022-01-11. Review status: criteria provided, single submitter. Criteria: ACMG Guidelines, 2015. Collection method: research. Allele origin: de novo. Inheritance: Autosomal dominant inheritance. Affected: yes. Observed: 1 heterozygote.
Comment: ACMG criteria: PVS1, PM2, and PM6; The causal link between mutations in the SCAF4 gene and a syndromic form of intellectual disability (ID) was described in 2020 (10.1016/j.ajhg.2020.06.019).

OMIM
Classification: Pathogenic for FLIEDNER-ZWEIER SYNDROME. Last evaluated: 2023-09-15. Review status: no assertion criteria provided. Collection method: literature only. Allele origin: germline. Not counted in ClinVar's aggregate classification.

Literature cited by the submitters: PubMed 7477272 (cited by Laboratory of Human Genetics, Universidade de São Paulo); PubMed 36333968 (cited by OMIM).